The following is an entry in ClinVar:

NM_000111.3(SLC26A3):c.2007+2T>G

Gene: SLC26A3 (solute carrier family 26 member 3; minus strand). Cytogenetic location: 7q22.3.
Variant type: single nucleotide variant.
Coding change: c.2007+2T>G on transcript NM_000111.3 (MANE Select); the canonical splice donor site of the intron after coding-DNA position 2007, T replaced by G.
Molecular consequence: splice donor variant.
Genome position (GRCh38, 1-based): chr7:107,773,918, A>C on the plus strand (T>G on the coding strand, the complement: SLC26A3 is on the minus strand). VCF-style: chr7-107773918-A-C. GRCh37 (hg19) VCF-style: chr7-107414363-A-C.
Identifiers: ClinVar variation 2838183 (VCV002838183.3), dbSNP rs764591347, ClinGen allele CA4433644.

ClinVar aggregate classification (germline): Likely pathogenic (1 of 4 stars; one submission).

Allele frequency attached by ClinVar (database versions not stated): TOPMed below 0.00001; ExAC 0.00001.
gnomAD v4.1: 1 of 1,606,110 alleles (0.000062%); highest among the groups gnomAD compares: Non-Finnish European, 0.000085%; no homozygotes.

Submission:

Labcorp Genetics (formerly Invitae), Labcorp
Classification: Likely pathogenic. Last evaluated: 2024-01-10. Review status: criteria provided, single submitter. Criteria: Invitae Variant Classification Sherloc (09022015). Collection method: clinical testing. Allele origin: germline.
Comment: This sequence change affects a donor splice site in intron 17 of the SLC26A3 gene. It is expected to disrupt RNA splicing. Variants that disrupt the donor or acceptor splice site typically lead to a loss of protein function (PMID: 16199547), and loss-of-function variants in SLC26A3 are known to be pathogenic (PMID: 9718329, 21394828). This variant is present in population databases (rs764591347, gnomAD 0.0009%). This variant has not been reported in the literature in individuals affected with SLC26A3-related conditions. Algorithms developed to predict the effect of sequence changes on RNA splicing suggest that this variant may disrupt the consensus splice site. In summary, the currently available evidence indicates that the variant is pathogenic, but additional data are needed to prove that conclusively. Therefore, this variant has been classified as Likely Pathogenic.

Literature cited by the submitters: PubMed 16199547; PubMed 9718329; PubMed 21394828.